The following is an entry in ClinVar:

ClinVar aggregate classification (germline): Uncertain significance (1 of 4 stars; one submission).

Allele frequency attached by ClinVar (database versions not stated): gnomAD 0.00002; gnomAD exomes 0.00003 and 0.00004; TOPMed 0.00003; ExAC 0.00006.
gnomAD v4.1: 40 of 1,614,050 alleles (0.0025%); highest among the groups gnomAD compares: Admixed American, 0.005%; no homozygotes.

Submission:

GeneDx
Classification: Uncertain significance. Last evaluated: 2018-05-14. Review status: criteria provided, single submitter. Criteria: GeneDx Variant Classification (06012015). Collection method: clinical testing. Allele origin: germline. Affected: yes.
Comment: The Q183K variant in the CRYBB2 gene has not been reported previously as a pathogenic variant, nor as a benign variant, to our knowledge. The Q183K variant is observed in 9/111334 (0.008%) alleles from individuals of non-Finnish European background, in large population cohorts (Lek et al., 2016). The Q183K variant is a semi-conservative amino acid substitution, which may impact secondary protein structure as these residues differ in some properties. In-silico analyses, including protein predictors and evolutionary conservation, support a deleterious effect. We interpret Q183K as a variant of uncertain significance.

NM_000496.3(CRYBB2):c.547C>A (p.Gln183Lys)

Gene: CRYBB2 (crystallin beta B2; plus strand). Cytogenetic location: 22q11.23.
Variant type: single nucleotide variant.
Coding change: c.547C>A on transcript NM_000496.3 (MANE Select); coding-DNA position 547, C replaced by A.
Protein change: p.Gln183Lys; replaces glutamine 183 with lysine.
Molecular consequence: missense variant.
Genome position (GRCh38, 1-based): chr22:25,231,701, C>A. VCF-style: chr22-25231701-C-A. GRCh37 (hg19) VCF-style: chr22-25627668-C-A.
Other names: short protein forms Q183K.
Identifiers: ClinVar variation 546385 (VCV000546385.2), dbSNP rs759396008, ClinGen allele CA10158055.